The following is an entry in ClinVar:

NM_018942.3(HMX1):c.424G>A (p.Glu142Lys)

Gene: HMX1 (H6 family homeobox 1; minus strand). Cytogenetic location: 4p16.1.
Variant type: single nucleotide variant.
Coding change: c.424G>A on transcript NM_018942.3 (MANE Select); coding-DNA position 424, G replaced by A.
Protein change: p.Glu142Lys; replaces glutamic acid 142 with lysine.
Molecular consequence: missense variant. On other transcripts: intron variant (1).
Genome position (GRCh38, 1-based): chr4:8,868,316, C>T on the plus strand (G>A on the coding strand, the complement: HMX1 is on the minus strand). VCF-style: chr4-8868316-C-T. GRCh37 (hg19) VCF-style: chr4-8870042-C-T.
Other names: c.424G>A (NM_018942.2); c.394+2905G>A (NM_001306142.2); short protein forms E142K.
Identifiers: ClinVar variation 1008441 (VCV001008441.6), dbSNP rs998640735, ClinGen allele CA92349813.
Genomic context (GRCh38, chr4:8,868,316, plus strand): 5'-GCTGCACCGCTCCCGGCCCGGGGCCTCGCGGCCAGGCGCCCTCCGCACGGCCCATCTCCT[C>T]GCCCGTCTCCGGTGAGTCCCGGTCGCTGGCTGCAGGGGAGAGAGGGCACCACCGTTGGTT-3'
Protein context (NP_061815.2, residues 132-152): TSDRDSPETG[Glu142Lys]EMGRAEGAWP

ClinVar aggregate classification (germline): Uncertain significance. Review status: criteria provided, multiple submitters, no conflicts (2 of 4 stars). 3 submissions from 3 submitters: Uncertain significance (2). 1 of the submissions does not count toward it. Last evaluated 2025-10-28.

Conditions:
Inborn genetic diseases. Identifiers: MedGen C0950123, MeSH D030342.
HMX1-related disorder. Also called: HMX1-related condition.

Allele frequency attached by ClinVar (database versions not stated): gnomAD exomes below 0.00001; gnomAD 0.00001; TOPMed below 0.00001.
gnomAD v4.1: 8 of 1,433,720 alleles (0.00056%); highest among the groups gnomAD compares: African/African-American, 0.0074%; no homozygotes.

Submissions (3):

Ambry Genetics
Classification: Uncertain significance for Inborn genetic diseases. Last evaluated: 2025-10-28. Review status: criteria provided, single submitter. Criteria: Ambry Variant Classification Scheme 2023. Collection method: clinical testing. Allele origin: germline.

Labcorp Genetics (formerly Invitae), Labcorp
Classification: Uncertain significance. Last evaluated: 2022-07-19. Review status: criteria provided, single submitter. Criteria: Invitae Variant Classification Sherloc (09022015). Collection method: clinical testing. Allele origin: germline.
Comment: In summary, the available evidence is currently insufficient to determine the role of this variant in disease. Therefore, it has been classified as a Variant of Uncertain Significance. Algorithms developed to predict the effect of missense changes on protein structure and function are either unavailable or do not agree on the potential impact of this missense change (SIFT: "Tolerated"; PolyPhen-2: "Possibly Damaging"; Align-GVGD: "Class C0"). ClinVar contains an entry for this variant (Variation ID: 1008441). This variant has not been reported in the literature in individuals affected with HMX1-related conditions. This variant is not present in population databases (gnomAD no frequency). This sequence change replaces glutamic acid, which is acidic and polar, with lysine, which is basic and polar, at codon 142 of the HMX1 protein (p.Glu142Lys).

PreventionGenetics, part of Exact Sciences
Classification: Uncertain significance for HMX1-related condition. Last evaluated: 2024-04-03. Review status: no assertion criteria provided. Collection method: clinical testing. Allele origin: germline. Not counted in ClinVar's aggregate classification.
Comment: The HMX1 c.424G>A variant is predicted to result in the amino acid substitution p.Glu142Lys. To our knowledge, this variant has not been reported in the literature or in a large population database, indicating this variant is rare. At this time, the clinical significance of this variant is uncertain due to the absence of conclusive functional and genetic evidence.